The following is an entry in ClinVar:

NM_014611.3(MDN1):c.14349TGAGGAGGAAGA[1] (p.4783DEEE[1])

Genes: MDN1 (midasin AAA ATPase 1; minus strand), MDN1-AS1 (MDN1 antisense RNA 1; plus strand). Cytogenetic location: 6q15.
Variant type: Microsatellite.
Coding change: c.14349TGAGGAGGAAGA[1] on transcript NM_014611.3 (MANE Select); one copy of the 12-base unit TGAGGAGGAAGA starting at c.14349; the reference has two copies in a row; one copy, 12 bases deleted.
Protein change: p.4783DEEE[1].
Genome position (GRCh38, 1-based): chr6:89,662,832-89,662,843, TCTTCCTCCTCA deleted on the plus strand (TGAGGAGGAAGA on the coding strand, the reverse complement: MDN1 is on the minus strand); deleting any 12 consecutive bases within chr6:89,662,832-89,662,857 gives the same sequence; the position shown is the placement nearest the transcript's 3' end. VCF-style (leftmost placement, unchanged base first): chr6-89662831-TTCTTCCTCCTCA-T. GRCh37 (hg19) VCF-style: chr6-90372550-TTCTTCCTCCTCA-T.
Identifiers: ClinVar variation 3038084 (VCV003038084.2), dbSNP rs376185382, ClinGen allele CA3922554.

ClinVar aggregate classification (germline): Likely benign (0 of 4 stars; one submission).

Conditions:
MDN1-related disorder. Also called: MDN1-related condition.

Submission:

PreventionGenetics, part of Exact Sciences
Classification: Likely benign for MDN1-related condition. Last evaluated: 2019-05-23. Review status: no assertion criteria provided. Collection method: clinical testing. Allele origin: germline.
Comment: This variant is classified as likely benign based on ACMG/AMP sequence variant interpretation guidelines (Richards et al. 2015 PMID: 25741868, with internal and published modifications).